The following is an entry in ClinVar:

ClinVar aggregate classification (germline): Uncertain significance (1 of 4 stars; one submission).

Conditions:
DICER1-related tumor predisposition. Also called: DICER1 syndrome; DICER1-related pleuropulmonary blastoma cancer predisposition syndrome. Identifiers: Orphanet 284343, MedGen C3839822, MONDO:0100216.

Allele frequency attached by ClinVar (database versions not stated): TOPMed below 0.00001.

Submission:

Labcorp Genetics (formerly Invitae), Labcorp
Classification: Uncertain significance for DICER1-related tumor predisposition. Last evaluated: 2022-07-28. Review status: criteria provided, single submitter. Criteria: Invitae Variant Classification Sherloc (09022015). Collection method: clinical testing. Allele origin: germline.
Comment: In summary, the available evidence is currently insufficient to determine the role of this variant in disease. Therefore, it has been classified as a Variant of Uncertain Significance. Algorithms developed to predict the effect of missense changes on protein structure and function are either unavailable or do not agree on the potential impact of this missense change (SIFT: "Tolerated"; PolyPhen-2: "Probably Damaging"; Align-GVGD: "Class C0"). This variant has not been reported in the literature in individuals affected with DICER1-related conditions. This variant is not present in population databases (gnomAD no frequency). This sequence change replaces asparagine, which is neutral and polar, with lysine, which is basic and polar, at codon 1093 of the DICER1 protein (p.Asn1093Lys).

NM_177438.3(DICER1):c.3279C>G (p.Asn1093Lys)

Gene: DICER1 (dicer 1, ribonuclease III; minus strand). Cytogenetic location: 14q32.13.
Variant type: single nucleotide variant.
Coding change: c.3279C>G on transcript NM_177438.3 (MANE Select); coding-DNA position 3279, C replaced by G.
Protein change: p.Asn1093Lys; replaces asparagine 1093 with lysine.
Molecular consequence: missense variant. On other transcripts: non-coding transcript variant (4).
Genome position (GRCh38, 1-based): chr14:95,104,117, G>C on the plus strand (C>G on the coding strand, the complement: DICER1 is on the minus strand). VCF-style: chr14-95104117-G-C. GRCh37 (hg19) VCF-style: chr14-95570454-G-C.
Other names: c.3279C>G, p.Asn1093Lys (NM_001195573.1, NM_001271282.3, NM_001291628.2 and 13 more transcripts); c.2997C>G, p.Asn999Lys (NM_001395686.1); c.2874C>G, p.Asn958Lys (NM_001395687.1, NM_001395688.1, NM_001395689.1 and 2 more transcripts); c.2712C>G, p.Asn904Lys (NM_001395691.1); c.1596C>G, p.Asn532Lys (NM_001395697.1); short protein forms N1093K, N532K, N904K, N958K, N999K.
Identifiers: ClinVar variation 1714055 (VCV001714055.6), dbSNP rs1555369761, ClinGen allele CA390876100.